The following is an entry in ClinVar:

NM_001142800.2(EYS):c.8477dup (p.Ser2827fs)

Genes: EYS (EGF-like photoreceptor maintenance factor; minus strand), PHF3 (PHD finger protein 3; plus strand). Cytogenetic location: 6q12.
Variant type: Duplication.
Coding change: c.8477dup on transcript NM_001142800.2 (MANE Select); coding-DNA position 8477, one base duplicated (T; older notation c.8477dupT).
Protein change: p.Ser2827fs; shifts the reading frame from serine 2827.
Molecular consequence: frameshift variant. On other transcripts: 3 prime UTR variant (5).
Genome position (GRCh38, 1-based): chr6:63,721,554, A duplicated on the plus strand (T on the coding strand, the reverse complement: EYS is on the minus strand). VCF-style (leftmost placement, unchanged base first): chr6-63721553-T-TA. GRCh37 (hg19) VCF-style: chr6-64431449-T-TA.
Other names: c.*7846dup (NM_001290259.2, NM_001370348.2, NM_001370349.2 and 2 more transcripts); c.8540dup, p.Ser2848fs (NM_001292009.2); short protein forms S2827fs, S2848fs.
Identifiers: ClinVar variation 2982023 (VCV002982023.3), dbSNP rs1195683882, ClinGen allele CA826970791.
Genomic context (GRCh38, chr6:63,721,553, plus strand): 5'-GCCTTGAAAACCTACAGGTTCATTTTCTATTGCCATGGGATTTACAAGATTTAAAGAAGA[T>TA]ACTCCTCCAATATAGAAGTCTGTATTTGTGTCCAGAGAACTCATTTTAGTGGAGGCCTTT-3'

ClinVar aggregate classification (germline): Pathogenic (1 of 4 stars; one submission).

Allele frequency attached by ClinVar (database versions not stated): TOPMed below 0.00001; gnomAD 0.00001.

Submission:

Labcorp Genetics (formerly Invitae), Labcorp
Classification: Pathogenic. Last evaluated: 2023-11-15. Review status: criteria provided, single submitter. Criteria: Invitae Variant Classification Sherloc (09022015). Collection method: clinical testing. Allele origin: germline.
Comment: This sequence change creates a premature translational stop signal (p.Ser2827Ilefs*14) in the EYS gene. While this is not anticipated to result in nonsense mediated decay, it is expected to disrupt the last 318 amino acid(s) of the EYS protein. This variant is not present in population databases (gnomAD no frequency). This premature translational stop signal has been observed in individual(s) with retinitis pigmentosa (Invitae). This variant disrupts a region of the EYS protein in which other variant(s) (p.Tyr3135*) have been determined to be pathogenic (PMID: 18976725, 29159838, 30337596, 31074760). This suggests that this is a clinically significant region of the protein, and that variants that disrupt it are likely to be disease-causing. For these reasons, this variant has been classified as Pathogenic.

Literature cited by the submitters: PubMed 18976725; PubMed 29159838; PubMed 30337596; PubMed 31074760.